The following is an entry in ClinVar:

NM_000310.4(PPT1):c.363-18C>G

Gene: PPT1 (palmitoyl-protein thioesterase 1; minus strand). Cytogenetic location: 1p34.2.
Variant type: single nucleotide variant.
Coding change: c.363-18C>G on transcript NM_000310.4 (MANE Select); 18 bases into the intron before coding-DNA position 363, C replaced by G.
Molecular consequence: intron variant.
Genome position (GRCh38, 1-based): chr1:40,091,417, G>C on the plus strand (C>G on the coding strand, the complement: PPT1 is on the minus strand). VCF-style: chr1-40091417-G-C. GRCh37 (hg19) VCF-style: chr1-40557089-G-C.
Other names: c.125-1905C>G (NM_001142604.2); c.363-18C>G (NM_001363695.2).
Identifiers: ClinVar variation 138799 (VCV000138799.14), dbSNP rs143235344, ClinGen allele CA292908.
Genomic context (GRCh38, chr1:40,091,417, plus strand): 5'-ATTGATCATGGGAGGTGAAGGGCATCTCTGAGCCACTGCCCTCCTACGGAATAAAAGGGA[G>C]TTTTAGCTCCGACTGTCAGATGGAAATGTATCATCCACAATCAGCATCACAGATTAAGCT-3'

ClinVar aggregate classification (germline): Benign/Likely benign. Review status: criteria provided, multiple submitters, no conflicts (2 of 4 stars). 4 submissions from 4 submitters: Benign (2); Likely benign (1). 1 of the submissions does not count toward it. Last evaluated 2026-02-03.

Conditions:
Neuronal ceroid lipofuscinosis 1 (CLN1). Also called: CEROID LIPOFUSCINOSIS, NEURONAL, 1, VARIABLE AGE AT ONSET; PPT1-Related Neuronal Ceroid-Lipofuscinosis. Identifiers: Orphanet 228329, MedGen C1850451, MONDO:0009744, OMIM 256730.

Allele frequency attached by ClinVar (database versions not stated): gnomAD exomes 0.00163; gnomAD 0.00507 and 0.00531; TOPMed 0.00510; ESP Exome Variant Server 0.00515; 1000 Genomes Project 0.00719; 1000 Genomes Project 30x 0.00921.

Submissions (4):

Labcorp Genetics (formerly Invitae), Labcorp
Classification: Benign for Neuronal ceroid lipofuscinosis 1. Last evaluated: 2026-02-03. Review status: criteria provided, single submitter. Criteria: Invitae Variant Classification Sherloc (09022015). Collection method: clinical testing. Allele origin: germline.

Blueprint Genetics
Classification: Likely benign. Last evaluated: 2024-11-18. Review status: criteria provided, single submitter. Criteria: ACMG Guidelines, 2015. Collection method: clinical testing. Allele origin: germline.

GeneDx
Classification: Benign. Last evaluated: 2013-04-04. Review status: criteria provided, single submitter. Criteria: GeneDx Variant Classification (06012015). Collection method: clinical testing. Allele origin: germline. Affected: yes.
Comment: This variant is considered likely benign or benign based on one or more of the following criteria: it is a conservative change, it occurs at a poorly conserved position in the protein, it is predicted to be benign by multiple in silico algorithms, and/or has population frequency not consistent with disease.

Mayo Clinic Laboratories, Mayo Clinic
Classification: Likely benign. Last evaluated: 2017-09-26. Review status: no assertion criteria provided. Collection method: clinical testing. Allele origin: unknown. Not counted in ClinVar's aggregate classification.